The following is an entry in ClinVar:

ClinVar aggregate classification (germline): Conflicting classifications of pathogenicity. Review status: criteria provided, conflicting classifications (1 of 4 stars). 2 submissions from 2 submitters: Pathogenic (1); Uncertain significance (1). Last evaluated 2025-09-30.

Conditions:
Spastic ataxia. Identifiers: Orphanet 316226, MedGen C1849156, MONDO:0017845, HP:0002497.
Inborn genetic diseases. Identifiers: MedGen C0950123, MeSH D030342.

Allele frequency attached by ClinVar (database versions not stated): TOPMed 0.00001; gnomAD 0.00002.

Submissions (2):

Ambry Genetics
Classification: Uncertain significance for Inborn genetic diseases. Last evaluated: 2025-09-30. Review status: criteria provided, single submitter. Criteria: Ambry Variant Classification Scheme 2023. Collection method: clinical testing. Allele origin: germline.
Comment: The c.147C>A (p.S49R) alteration is located in exon 1 of the HPDL gene. This alteration results from a C to A substitution at nucleotide position 147, causing the serine (S) at amino acid position 49 to be replaced by an arginine (R). Based on data from gnomAD, the A allele has an overall frequency of 0.002% (3/196438) total alleles studied. This variant has been identified in the homozygous state and/or in conjunction with other HPDL variant(s) in individual(s) with features consistent with HPDL-related neurological disorder (Mero, 2025; Baggiani, 2024). This amino acid position is not well conserved in available vertebrate species. This alteration is predicted to be tolerated by in silico analysis. Based on insufficient or conflicting evidence, the clinical significance of this alteration remains unclear.

Molecular Medicine for Neurodegenerative and Neuromuscular Diseases Unit, IRCCS Fondazione Stella Maris
Classification: Pathogenic for Spastic ataxia. Last evaluated: 2022-07-12. Review status: criteria provided, single submitter. Criteria: ACMG Guidelines, 2015. Collection method: clinical testing. Allele origin: inherited. Inheritance: Autosomal recessive inheritance. Affected: yes. Observed: 1 homozygote.

Literature cited by the submitters: PubMed 39408944 (cited by Ambry Genetics); PubMed 40719007 (cited by Ambry Genetics).

NM_032756.4(HPDL):c.147C>A (p.Ser49Arg)

Gene: HPDL (4-hydroxyphenylpyruvate dioxygenase like; plus strand). Cytogenetic location: 1p34.1.
Variant type: single nucleotide variant.
Coding change: c.147C>A on transcript NM_032756.4 (MANE Select); coding-DNA position 147, C replaced by A.
Protein change: p.Ser49Arg; replaces serine 49 with arginine.
Molecular consequence: missense variant.
Genome position (GRCh38, 1-based): chr1:45,327,295, C>A. VCF-style: chr1-45327295-C-A. GRCh37 (hg19) VCF-style: chr1-45792967-C-A.
Other names: c.147C>A (NM_032756.2); short protein forms S49R.
Identifiers: ClinVar variation 1697219 (VCV001697219.7), dbSNP rs774562729, ClinGen allele CA826200.